The following is an entry in ClinVar:

NM_000257.4(MYH7):c.638A>G (p.Lys213Arg)

Gene: MYH7 (myosin heavy chain 7; minus strand). Cytogenetic location: 14q11.2.
Variant type: single nucleotide variant.
Coding change: c.638A>G on transcript NM_000257.4 (MANE Select); coding-DNA position 638, A replaced by G.
Protein change: p.Lys213Arg; replaces lysine 213 with arginine.
Molecular consequence: missense variant.
Genome position (GRCh38, 1-based): chr14:23,431,762, T>C on the plus strand (A>G on the coding strand, the complement: MYH7 is on the minus strand). VCF-style: chr14-23431762-T-C. GRCh37 (hg19) VCF-style: chr14-23900971-T-C.
Other names: c.638A>G, p.Lys213Arg (NM_001407004.1); short protein forms K213R.
Identifiers: ClinVar variation 4811813 (VCV004811813.1).

ClinVar aggregate classification (germline): Uncertain significance (1 of 4 stars; one submission).

Conditions:
Hypertrophic cardiomyopathy. Also called: HYPERTROPHIC MYOCARDIOPATHY. Identifiers: Orphanet 217569, MedGen C0007194, MeSH D002312, MONDO:0005045, HP:0001639.

Submission:

Labcorp Genetics (formerly Invitae), Labcorp
Classification: Uncertain significance for Hypertrophic cardiomyopathy. Last evaluated: 2025-11-28. Review status: criteria provided, single submitter. Criteria: Invitae Variant Classification Sherloc (09022015). Collection method: clinical testing. Allele origin: germline.
Comment: This sequence change replaces lysine, which is basic and polar, with arginine, which is basic and polar, at codon 213 of the MYH7 protein (p.Lys213Arg). This variant is not present in population databases (gnomAD no frequency). This variant has not been reported in the literature in individuals affected with MYH7-related conditions. An algorithm developed to predict the effect of missense changes on protein structure and function (PolyPhen-2) suggests that this variant is likely to be tolerated. Algorithms developed to predict the effect of sequence changes on RNA splicing suggest that this variant may disrupt the consensus splice site. In summary, the available evidence is currently insufficient to determine the role of this variant in disease. Therefore, it has been classified as a Variant of Uncertain Significance.